The following is an entry in ClinVar:

ClinVar aggregate classification (germline): Uncertain significance (1 of 4 stars; one submission).

gnomAD v4.1: 2 of 1,614,022 alleles (0.00012%); highest among the groups gnomAD compares: Non-Finnish European, 0.00017%; no homozygotes.

Submission:

GeneDx
Classification: Uncertain significance. Last evaluated: 2024-04-16. Review status: criteria provided, single submitter. Criteria: GeneDx Variant Classification Process June 2021. Collection method: clinical testing. Allele origin: germline. Affected: yes.
Comment: Not observed at significant frequency in large population cohorts (gnomAD); In silico analysis indicates that this missense variant does not alter protein structure/function; Has not been previously published as pathogenic or benign to our knowledge; Reported using an alternate transcript of the gene

NM_001366521.1(ATP2B1):c.3351+435C>T

Gene: ATP2B1 (ATPase plasma membrane Ca2+ transporting 1; minus strand). Cytogenetic location: 12q21.33.
Variant type: single nucleotide variant.
Coding change: c.3351+435C>T on transcript NM_001366521.1 (MANE Select); 435 bases into the intron after coding-DNA position 3351, C replaced by T.
Molecular consequence: intron variant. On other transcripts: missense variant (11).
Genome position (GRCh38, 1-based): chr12:89,598,682, G>A on the plus strand (C>T on the coding strand, the complement: ATP2B1 is on the minus strand). VCF-style: chr12-89598682-G-A. GRCh37 (hg19) VCF-style: chr12-89992459-G-A.
Other names: c.3413C>T, p.Pro1138Leu (NM_001001323.2, NM_001366523.1, NM_001366524.1 and 3 more transcripts); c.3305C>T, p.Pro1102Leu (NM_001366528.1, NM_001366529.1); c.3215C>T, p.Pro1072Leu (NM_001366530.1); c.2852C>T, p.Pro951Leu (NM_001366531.1, NM_001366532.1); c.3153+435C>T (NM_001413053.1); c.2790+435C>T (NM_001413060.1, NM_001413058.1, NM_001413059.1); c.3096+435C>T (NM_001413056.1); c.3210+435C>T (NM_001413051.1, NM_001413052.1); and 6 more; short protein forms P1072L, P1102L, P1138L, P951L.
Identifiers: ClinVar variation 3372626 (VCV003372626.1).
Genomic context (GRCh38, chr12:89,598,682, plus strand): 5'-AACACTACATGTGTAGGGGTAGAAATATTTGTTACATCATGATGCTGGCTGGCGATGGAG[G>A]GTTGCCGCCTTAGAGCCCCCTGAATGGAACTTCCACTCTGGAAAGCATTCACTACATCCA-3'